The following is an entry in ClinVar:

ClinVar aggregate classification (germline): Conflicting classifications of pathogenicity. Review status: criteria provided, conflicting classifications (1 of 4 stars). 5 submissions from 5 submitters: Uncertain significance (1); Benign (1); Likely benign (3). Last evaluated 2025-12-23.

Conditions:
BAP1-related tumor predisposition syndrome (TPDS1). Also called: Tumor susceptibility linked to germline BAP1 mutations; TUMOR PREDISPOSITION SYNDROME 1; BAP1 tumor predisposition syndrome; COMMON Syndrome. Identifiers: Orphanet 289539, MedGen C3280492, MONDO:0013692, OMIM 614327.
Hereditary cancer-predisposing syndrome. Also called: Hereditary neoplastic syndrome; Tumor predisposition; Neoplastic Syndromes, Hereditary; Hereditary Cancer Syndrome. Identifiers: Orphanet 140162, MedGen C0027672, MeSH D009386, MONDO:0015356.

Allele frequency attached by ClinVar (database versions not stated): TOPMed below 0.00001.
gnomAD v4.1: 1 of 1,614,192 alleles (0.000062%); highest among the groups gnomAD compares: South Asian, 0.0011%; no homozygotes.

Submissions (5):

Ambry Genetics
Classification: Likely benign for Hereditary cancer-predisposing syndrome. Last evaluated: 2025-12-23. Review status: criteria provided, single submitter. Criteria: Ambry Variant Classification Scheme 2023. Collection method: clinical testing. Allele origin: germline.

Labcorp Genetics (formerly Invitae), Labcorp
Classification: Likely benign for BAP1-related tumor predisposition syndrome. Last evaluated: 2025-02-13. Review status: criteria provided, single submitter. Criteria: Invitae Variant Classification Sherloc (09022015). Collection method: clinical testing. Allele origin: germline.

Myriad Genetics, Inc.
Classification: Benign for BAP1-related tumor predisposition syndrome. Last evaluated: 2024-07-17. Review status: criteria provided, single submitter. Criteria: Myriad Autosomal Dominant, Autosomal Recessive and X-Linked Classification Criteria (2023). Collection method: clinical testing. Allele origin: unknown.
Comment: This variant is considered benign. This variant is a silent/synonymous amino acid change and it is not expected to impact splicing.

Color Diagnostics, LLC DBA Color Health
Classification: Likely benign for Hereditary cancer-predisposing syndrome. Last evaluated: 2022-05-31. Review status: criteria provided, single submitter. Criteria: ACMG Guidelines, 2015. Collection method: clinical testing. Allele origin: germline.

GeneDx
Classification: Uncertain significance. Last evaluated: 2020-12-17. Review status: criteria provided, single submitter. Criteria: GeneDx Variant Classification Process June 2021. Collection method: clinical testing. Allele origin: germline. Affected: yes.
Comment: Not observed in large population cohorts (Lek 2016); Has not been previously published as pathogenic or benign to our knowledge; In-silico analysis, which includes splice predictors and evolutionary conservation, is inconclusive as to whether the variant alters gene splicing. In the absence of RNA/functional studies, the actual effect of this sequence change is unknown.

NM_004656.4(BAP1):c.1908G>A (p.Leu636=)

Gene: BAP1 (BRCA1 associated deubiquitinase 1; minus strand). Cytogenetic location: 3p21.1.
Variant type: single nucleotide variant.
Coding change: c.1908G>A on transcript NM_004656.4 (MANE Select); coding-DNA position 1908, G replaced by A.
Protein change: p.Leu636=; no amino-acid change (leucine 636 retained).
Molecular consequence: synonymous variant.
Genome position (GRCh38, 1-based): chr3:52,402,854, C>T on the plus strand (G>A on the coding strand, the complement: BAP1 is on the minus strand). VCF-style: chr3-52402854-C-T. GRCh37 (hg19) VCF-style: chr3-52436870-C-T.
Other names: c.1908G>A (NM_004656.2).
Identifiers: ClinVar variation 1320527 (VCV001320527.9), dbSNP rs1217932827, ClinGen allele CA433885672.
Genomic context (GRCh38, chr3:52,402,854, plus strand): 5'-CTTCTCTACCTCCTCCTTGAGGCACGCCTCATAGTTTGCAATCTCAGCCTCCACACACTT[C>T]AGCAGTGCCAGCAGCTCCTGCCAAAACCCAGCATTGCACCTCTGATCGGGGCGGGCCAGC-3'
Protein context (NP_004647.1, residues 626-646): KYSPKELLAL[Leu636=]KCVEAEIANY